The following is an entry in ClinVar:

NM_020937.4(FANCM):c.2656G>T (p.Val886Phe)

Gene: FANCM (FA complementation group M; plus strand). Cytogenetic location: 14q21.2.
Variant type: single nucleotide variant.
Coding change: c.2656G>T on transcript NM_020937.4 (MANE Select); coding-DNA position 2656, G replaced by T.
Protein change: p.Val886Phe; replaces valine 886 with phenylalanine.
Molecular consequence: missense variant.
Genome position (GRCh38, 1-based): chr14:45,175,410, G>T. VCF-style: chr14-45175410-G-T. GRCh37 (hg19) VCF-style: chr14-45644613-G-T.
Other names: c.2578G>T, p.Val860Phe (NM_001308133.2); short protein forms V860F, V886F.
Identifiers: ClinVar variation 4871070 (VCV004871070.1).
Genomic context (GRCh38, chr14:45,175,410, plus strand): 5'-CTTAAAAAAGAAAATAATCACGGTATTATAGATTCTGTAGATAATGACAGAAATTCCACT[G>T]TTGAAAATATTTTTCAAGAAGACCTACCAAATGATAAAAGGACATCAGATACAGATGAAA-3'
Protein context (NP_065988.1, residues 876-896): DSVDNDRNST[Val886Phe]ENIFQEDLPN

ClinVar aggregate classification (germline): Uncertain significance (1 of 4 stars; one submission).

Conditions:
Inborn genetic diseases. Identifiers: MedGen C0950123, MeSH D030342.

Submission:

Ambry Genetics
Classification: Uncertain significance for Inborn genetic diseases. Last evaluated: 2026-04-08. Review status: criteria provided, single submitter. Criteria: Ambry Variant Classification Scheme 2023. Collection method: clinical testing. Allele origin: germline.
Comment: The p.V886F variant (also known as c.2656G>T), located in coding exon 14 of the FANCM gene, results from a G to T substitution at nucleotide position 2656. The valine at codon 886 is replaced by phenylalanine, an amino acid with highly similar properties. This amino acid position is conserved. In addition, this alteration is predicted to be tolerated by in silico analysis. Based on the available evidence, the clinical significance of this variant remains unclear.